The following is an entry in ClinVar:

ClinVar aggregate classification (germline): Pathogenic. Review status: criteria provided, multiple submitters, no conflicts (2 of 4 stars). 2 submissions from 2 submitters: Pathogenic (2). Last evaluated 2023-05-15.

Conditions:
Familial adenomatous polyposis 1 (FAP1). Also called: FAMILIAL ADENOMATOUS POLYPOSIS 1, ATTENUATED; POLYPOSIS, ADENOMATOUS INTESTINAL. Identifiers: MedGen C2713442, MONDO:0021056, OMIM 175100. Disease mechanism: loss of function.

Submissions (2):

Myriad Genetics, Inc.
Classification: Pathogenic for Familial adenomatous polyposis 1. Last evaluated: 2023-05-15. Review status: criteria provided, single submitter. Criteria: Myriad Autosomal Dominant, Autosomal Recessive and X-Linked Classification Criteria (2023). Collection method: clinical testing. Allele origin: unknown.
Comment: This variant is considered pathogenic. This variant creates a termination codon and is predicted to result in premature protein truncation.

Labcorp Genetics (formerly Invitae), Labcorp
Classification: Pathogenic for Familial adenomatous polyposis 1. Last evaluated: 2021-10-05. Review status: criteria provided, single submitter. Criteria: Invitae Variant Classification Sherloc (09022015). Collection method: clinical testing. Allele origin: germline.
Comment: This sequence change creates a premature translational stop signal (p.Leu2115*) in the APC gene. While this is not anticipated to result in nonsense mediated decay, it is expected to disrupt the last 729 amino acid(s) of the APC protein. This variant is not present in population databases (ExAC no frequency). For these reasons, this variant has been classified as Pathogenic. A different truncation (p.Tyr2645Lysfs*14) that lies downstream of this variant has been determined to be pathogenic (PMID: 9824584, 1316610, 27081525, 8381579, 22135120, Invitae). This suggests that deletion of this region of the APC protein is causative of disease. This variant is expected to disrupt the EB1 and HDLG binding sites, which mediate interactions with the cytoskeleton (PMID: 15311282, 17293347). While functional studies have not been performed to directly test the effect on APC protein function, this suggests that disruption of the C-terminal portion of the protein is functionally important. ClinVar contains an entry for this variant (Variation ID: 948528). This variant has not been reported in the literature in individuals affected with APC-related conditions.

Literature cited by the submitters: PubMed 9824584 (cited by Labcorp Genetics (formerly Invitae), Labcorp); PubMed 1316610 (cited by Labcorp Genetics (formerly Invitae), Labcorp); PubMed 27081525 (cited by Labcorp Genetics (formerly Invitae), Labcorp); PubMed 8381579 (cited by Labcorp Genetics (formerly Invitae), Labcorp); PubMed 22135120 (cited by Labcorp Genetics (formerly Invitae), Labcorp); PubMed 15311282 (cited by Labcorp Genetics (formerly Invitae), Labcorp); PubMed 17293347 (cited by Labcorp Genetics (formerly Invitae), Labcorp).

NM_000038.6(APC):c.6344T>A (p.Leu2115Ter)

Gene: APC (APC regulator of Wnt signaling pathway; plus strand). Cytogenetic location: 5q22.2.
Variant type: single nucleotide variant.
Coding change: c.6344T>A on transcript NM_000038.6 (MANE Select); coding-DNA position 6344, T replaced by A.
Protein change: p.Leu2115Ter; replaces leucine 2115 with a stop codon.
Molecular consequence: nonsense.
Genome position (GRCh38, 1-based): chr5:112,841,938, T>A. VCF-style: chr5-112841938-T-A. GRCh37 (hg19) VCF-style: chr5-112177635-T-A.
Other names: c.6344T>A, p.Leu2115Ter (NM_001354895.2, NM_001127510.3); c.6398T>A, p.Leu2133Ter (NM_001354896.2); c.6374T>A, p.Leu2125Ter (NM_001354897.2); c.6269T>A, p.Leu2090Ter (NM_001354898.2); c.6290T>A, p.Leu2097Ter (NM_001127511.3); c.6260T>A, p.Leu2087Ter (NM_001354899.2); c.6221T>A, p.Leu2074Ter (NM_001354900.2); c.6167T>A, p.Leu2056Ter (NM_001354901.2); and 5 more; short protein forms L2097*, L2133*, L1832*, L1989*, L2074*, L2125*, L1955*, L2056*.
Identifiers: ClinVar variation 948528 (VCV000948528.10), dbSNP rs876659022, ClinGen allele CA16035226.
Genomic context (GRCh38, chr5:112,841,938, plus strand): 5'-ATTCAGAAAATTTTGATTGGAAAGCTATTCAGGAAGGTGCAAATTCCATAGTAAGTAGTT[T>A]ACATCAAGCTGCTGCTGCTGCATGTTTATCTAGACAAGCTTCGTCTGATTCAGATTCCAT-3'